The following is an entry in ClinVar:

ClinVar aggregate classification (germline): Uncertain significance (1 of 4 stars; one submission).

Conditions:
Acyl-CoA oxidase deficiency. Also called: Pseudoneonatal adrenoleukodystrophy; Peroxisomal acyl-CoA oxidase deficiency; STRAIGHT-CHAIN ACYL-CoA OXIDASE DEFICIENCY. Identifiers: Orphanet 2971, MedGen C1849678, MONDO:0009919, OMIM 264470. Disease mechanism: loss of function.

Submission:

Labcorp Genetics (formerly Invitae), Labcorp
Classification: Uncertain significance for Acyl-CoA oxidase deficiency. Last evaluated: 2024-04-22. Review status: criteria provided, single submitter. Criteria: Invitae Variant Classification Sherloc (09022015). Collection method: clinical testing. Allele origin: germline.
Comment: This sequence change replaces glycine, which is neutral and non-polar, with valine, which is neutral and non-polar, at codon 388 of the ACOX1 protein (p.Gly388Val). This variant is not present in population databases (gnomAD no frequency). This variant has not been reported in the literature in individuals affected with ACOX1-related conditions. Advanced modeling of protein sequence and biophysical properties (such as structural, functional, and spatial information, amino acid conservation, physicochemical variation, residue mobility, and thermodynamic stability) performed at Invitae indicates that this missense variant is expected to disrupt ACOX1 protein function with a positive predictive value of 80%. In summary, the available evidence is currently insufficient to determine the role of this variant in disease. Therefore, it has been classified as a Variant of Uncertain Significance.

NM_004035.7(ACOX1):c.1163G>T (p.Gly388Val)

Gene: ACOX1 (acyl-CoA oxidase 1; minus strand). Cytogenetic location: 17q25.1.
Variant type: single nucleotide variant.
Coding change: c.1163G>T on transcript NM_004035.7 (MANE Select); coding-DNA position 1163, G replaced by T.
Protein change: p.Gly388Val; replaces glycine 388 with valine.
Molecular consequence: missense variant.
Genome position (GRCh38, 1-based): chr17:75,950,909, C>A on the plus strand (G>T on the coding strand, the complement: ACOX1 is on the minus strand). VCF-style: chr17-75950909-C-A. GRCh37 (hg19) VCF-style: chr17-73946990-C-A.
Other names: c.1049G>T, p.Gly350Val (NM_001185039.2); c.1163G>T, p.Gly388Val (NM_007292.6); short protein forms G350V, G388V.
Identifiers: ClinVar variation 2819648 (VCV002819648.3), dbSNP rs748417434, ClinGen allele CA401063050.